The following is an entry in ClinVar:

NM_000548.5(TSC2):c.3058C>A (p.Leu1020Met)

Gene: TSC2 (TSC complex subunit 2; plus strand). Cytogenetic location: 16p13.3.
Variant type: single nucleotide variant.
Coding change: c.3058C>A on transcript NM_000548.5 (MANE Select); coding-DNA position 3058, C replaced by A.
Protein change: p.Leu1020Met; replaces leucine 1020 with methionine.
Molecular consequence: missense variant. On other transcripts: non-coding transcript variant (5).
Genome position (GRCh38, 1-based): chr16:2,079,123, C>A. VCF-style: chr16-2079123-C-A. GRCh37 (hg19) VCF-style: chr16-2129124-C-A.
Other names: c.1714C>A, p.Leu572Met (NM_001406689.1); c.1585C>A, p.Leu529Met (NM_001406690.1, NM_001406692.1, NM_001406693.1 and 1 more transcripts); c.1582C>A, p.Leu528Met (NM_001406691.1, NM_001406695.1, NM_001406696.1 and 1 more transcripts); c.1324C>A, p.Leu442Met (NM_001406698.1); c.2929C>A, p.Leu977Met (NM_021055.3, NM_001363528.2, NM_001370405.1); c.2779C>A, p.Leu927Met (NM_001406679.1); c.2458C>A, p.Leu820Met (NM_001406680.1, NM_001406682.1, NM_001406683.1); c.2467C>A, p.Leu823Met (NM_001406681.1); and 18 more; short protein forms L1006M, L1007M, L1019M, L1020M, L442M, L528M, L529M, L572M.
Identifiers: ClinVar variation 3620328 (VCV003620328.2).
Genomic context (GRCh38, chr16:2,079,123, plus strand): 5'-TTGGGGTCTGCAGATGAGAACTCCGTGGCCCAGGCTGACGATAGCCTGAAAAACCTCCAC[C>A]TGGAGCTCACGGAAACCTGTCTGGACATGATGGCTCGATACGTCTTCTCCAACTTCACGG-3'
Protein context (NP_000539.2, residues 1010-1030): QADDSLKNLH[Leu1020Met]ELTETCLDMM

ClinVar aggregate classification (germline): Uncertain significance (1 of 4 stars; one submission).

Conditions:
Tuberous sclerosis 2 (TSC2). Identifiers: Orphanet 805, MedGen C1860707, MONDO:0013199, OMIM 613254.

Submission:

Labcorp Genetics (formerly Invitae), Labcorp
Classification: Uncertain significance for Tuberous sclerosis 2. Last evaluated: 2024-02-17. Review status: criteria provided, single submitter. Criteria: Invitae Variant Classification Sherloc (09022015). Collection method: clinical testing. Allele origin: germline.
Comment: This sequence change replaces leucine, which is neutral and non-polar, with methionine, which is neutral and non-polar, at codon 1020 of the TSC2 protein (p.Leu1020Met). This variant is not present in population databases (gnomAD no frequency). This variant has not been reported in the literature in individuals affected with TSC2-related conditions. Advanced modeling of protein sequence and biophysical properties (such as structural, functional, and spatial information, amino acid conservation, physicochemical variation, residue mobility, and thermodynamic stability) performed at Invitae indicates that this missense variant is not expected to disrupt TSC2 protein function with a negative predictive value of 95%. In summary, the available evidence is currently insufficient to determine the role of this variant in disease. Therefore, it has been classified as a Variant of Uncertain Significance.